The following is an entry in ClinVar:

NM_003002.4(SDHD):c.241_262del (p.Pro81fs)

Gene: SDHD (succinate dehydrogenase complex subunit D; plus strand). Cytogenetic location: 11q23.1.
Variant type: Deletion.
Coding change: c.241_262del on transcript NM_003002.4 (MANE Select); coding-DNA positions 241 to 262, 22 bases deleted (CCGGCTGCTTATTTGAATCCTT).
Protein change: p.Pro81fs; shifts the reading frame from proline 81.
Molecular consequence: frameshift variant. On other transcripts: non-coding transcript variant (1), intron variant (1).
Genome position (GRCh38, 1-based): chr11:112,088,938-112,088,959, CCGGCTGCTTATTTGAATCCTT deleted; deleting any 22 consecutive bases within chr11:112,088,935-112,088,959 gives the same sequence; the c. name uses the placement nearest the transcript's 3' end. VCF-style (leftmost placement, unchanged base first): chr11-112088934-GCTTCCGGCTGCTTATTTGAATC-G. GRCh37 (hg19) VCF-style: chr11-111959658-GCTTCCGGCTGCTTATTTGAATC-G.
Other names: c.241_262del (NM_003002.3); c.124_145del, p.Pro42fs (NM_001276504.2); c.241_262del, p.Pro81fs (NM_001276506.2); c.169+965_169+986del (NM_001276503.2); short protein forms P42fs, P81fs.
Identifiers: ClinVar variation 2931847 (VCV002931847.4), dbSNP rs2498904892, ClinGen allele CA2695215322.
Genomic context (GRCh38, chr11:112,088,934, plus strand): 5'-CAAGGCTGCATCTCTCCACTGGACTAGCGAGAGGGTTGTCAGTGTTTTGCTCCTGGGTCT[GCTTCCGGCTGCTTATTTGAATC>G]CTTGCTCTGCGATGGACTATTCCCTGGCTGCAGCCCTCACTCTTCATGGTCACTGGCAAG-3'

ClinVar aggregate classification (germline): Pathogenic. Review status: criteria provided, multiple submitters, no conflicts (2 of 4 stars). 2 submissions from 2 submitters: Pathogenic (2). Last evaluated 2024-05-29.

Conditions:
Pheochromocytoma. Also called: MAX-Related Hereditary Paraganglioma-Pheochromocytoma Syndrome. Identifiers: Orphanet 29072, MedGen C0031511, MONDO:0008233, OMIM 171300, HP:0002666.
Carney-Stratakis syndrome. Also called: PARAGANGLIOMA AND GASTROINTESTINAL STROMAL TUMOR. Identifiers: Orphanet 97286, MedGen C1847319, MONDO:0011740, OMIM 606864.
Cowden syndrome 3 (CWS3). Identifiers: Orphanet 201, MedGen CN166604, MONDO:0014045.
Paragangliomas with sensorineural hearing loss. Identifiers: MedGen C1868633.
Pheochromocytoma/paraganglioma syndrome 1. Also called: Glomus tumors familial 1; Paraganglioma - glomus jugulare; SDHD-Related Hereditary Paraganglioma-Pheochromocytoma Syndrome; PARAGANGLIOMAS, FAMILIAL NONCHROMAFFIN, 1; PGL 1; Paragangliomas familial 1. Identifiers: Orphanet 29072, MedGen C3494181, MONDO:0008192, OMIM 168000.

Submissions (2):

Molecular Pathology, Peter Maccallum Cancer Centre
Classification: Pathogenic for Pheochromocytoma/paraganglioma syndrome 1. Last evaluated: 2024-05-29. Review status: criteria provided, single submitter. Criteria: ACMG Guidelines, 2015. Collection method: clinical testing. Allele origin: germline. Inheritance: Autosomal dominant inheritance.

Labcorp Genetics (formerly Invitae), Labcorp
Classification: Pathogenic for Carney-Stratakis syndrome; Paragangliomas with sensorineural hearing loss; Pheochromocytoma; Cowden syndrome 3. Last evaluated: 2023-12-08. Review status: criteria provided, single submitter. Criteria: Invitae Variant Classification Sherloc (09022015). Collection method: clinical testing. Allele origin: germline.
Comment: This sequence change creates a premature translational stop signal (p.Pro81Alafs*47) in the SDHD gene. While this is not anticipated to result in nonsense mediated decay, it is expected to disrupt the last 79 amino acid(s) of the SDHD protein. This variant is not present in population databases (gnomAD no frequency). This premature translational stop signal has been observed in individuals with paraganglioma-pheochromocytoma syndromes (PMID: 18551016, 22566194, 25720320; Invitae). This variant is also known as c.238-259del, p81AfsX47. This variant disrupts a region of the SDHD protein in which other variant(s) (p.Leu139Pro) have been determined to be pathogenic (PMID: 12114404, 21348866, 25758995). This suggests that this is a clinically significant region of the protein, and that variants that disrupt it are likely to be disease-causing. For these reasons, this variant has been classified as Pathogenic.

Literature cited by the submitters: PubMed 18551016 (cited by Labcorp Genetics (formerly Invitae), Labcorp); PubMed 22566194 (cited by Labcorp Genetics (formerly Invitae), Labcorp); PubMed 25720320 (cited by Labcorp Genetics (formerly Invitae), Labcorp); PubMed 12114404 (cited by Labcorp Genetics (formerly Invitae), Labcorp); PubMed 21348866 (cited by Labcorp Genetics (formerly Invitae), Labcorp); PubMed 25758995 (cited by Labcorp Genetics (formerly Invitae), Labcorp).